The following is an entry in ClinVar:

ClinVar aggregate classification (germline): Pathogenic. Review status: criteria provided, multiple submitters, no conflicts (2 of 4 stars). 5 submissions from 5 submitters: Pathogenic (3). 2 of the submissions do not count toward it. Last evaluated 2024-06-03.

Conditions:
SKIN/HAIR/EYE PIGMENTATION 3, LIGHT/DARK SKIN (SHEP3). Also called: SKIN/HAIR/EYE PIGMENTATION 3, BLUE/GREEN EYE COLOR; SKIN/HAIR/EYE PIGMENTATION 3, FRECKLING; SKIN/HAIR/EYE PIGMENTATION, VARIATION IN, 3; EYE COLOR 1; EYE COLOR, GREEN/BLUE. Identifiers: MedGen C2677190, OMIM 601800.
Oculocutaneous albinism type 1A (OCA1A). Also called: Albinism, oculocutaneous, type IA. Identifiers: Orphanet 352731, Orphanet 79431, MedGen C4551504, MONDO:0008745, OMIM 203100. Disease mechanism: loss of function.
Oculocutaneous albinism type 1B (OCA1B). Also called: ALBINISM, YELLOW MUTANT TYPE; ALBINISM, OCULOCUTANEOUS, TYPE IB; YELLOW ALBINISM. Identifiers: Orphanet 352731, Orphanet 352737, Orphanet 79434, MedGen C1847024, MONDO:0011749, OMIM 606952.
TYR-related disorder. Also called: TYR-related condition.

Submissions (5):

Blueprint Genetics
Classification: Pathogenic for TYR-related disorders. Last evaluated: 2024-06-03. Review status: criteria provided, single submitter. Criteria: ACMG Guidelines, 2015. Collection method: clinical testing. Allele origin: germline. Affected: yes. Observed: 2 variant alleles.

Fulgent Genetics
Classification: Pathogenic for Oculocutaneous albinism type 1A; SKIN/HAIR/EYE PIGMENTATION 3, LIGHT/DARK SKIN; Oculocutaneous albinism type 1B. Last evaluated: 2024-03-09. Review status: criteria provided, single submitter. Criteria: ACMG Guidelines, 2015. Collection method: clinical testing. Allele origin: germline.

Labcorp Genetics (formerly Invitae), Labcorp
Classification: Pathogenic. Last evaluated: 2023-11-14. Review status: criteria provided, single submitter. Criteria: Invitae Variant Classification Sherloc (09022015). Collection method: clinical testing. Allele origin: germline.
Comment: This sequence change creates a premature translational stop signal (p.His389Thrfs*96) in the TYR gene. While this is not anticipated to result in nonsense mediated decay, it is expected to disrupt the last 141 amino acid(s) of the TYR protein. This variant is present in population databases (rs773463933, gnomAD 0.003%). This premature translational stop signal has been observed in individuals with Oculocutaneous albinism (PMID: 1642278, 18463683). This variant is also known as 388 CTT(Leu)-CT-FS. ClinVar contains an entry for this variant (Variation ID: 3799). This variant disrupts a region of the TYR protein in which other variant(s) (p.Asp448Asn) have been determined to be pathogenic (PMID: 1642278, 10987646, 13680365, 27734839). This suggests that this is a clinically significant region of the protein, and that variants that disrupt it are likely to be disease-causing. For these reasons, this variant has been classified as Pathogenic.

OMIM
Classification: Pathogenic for ALBINISM, OCULOCUTANEOUS, TYPE IA. Last evaluated: 1992-07-15. Review status: no assertion criteria provided. Collection method: literature only. Allele origin: germline. Not counted in ClinVar's aggregate classification.

Retina International
No classification provided. Review status: no classification provided. Collection method: not provided. Allele origin: not provided. Not counted in ClinVar's aggregate classification.

Literature cited by the submitters: PubMed 1642278 (cited by Labcorp Genetics (formerly Invitae), Labcorp and OMIM); PubMed 18463683 (cited by Labcorp Genetics (formerly Invitae), Labcorp); PubMed 10987646 (cited by Labcorp Genetics (formerly Invitae), Labcorp); PubMed 13680365 (cited by Labcorp Genetics (formerly Invitae), Labcorp); PubMed 27734839 (cited by Labcorp Genetics (formerly Invitae), Labcorp).

NM_000372.5(TYR):c.1164del (p.His389fs)

Gene: TYR (tyrosinase; plus strand). Cytogenetic location: 11q14.3.
Variant type: Deletion.
Coding change: c.1164del on transcript NM_000372.5 (MANE Select); coding-DNA position 1164, one base deleted (T; older notation c.1164delT).
Protein change: p.His389fs; shifts the reading frame from histidine 389.
Molecular consequence: frameshift variant.
Genome position (GRCh38, 1-based): chr11:89,227,950, T deleted; the last of 2 consecutive T bases (chr11:89,227,949-89,227,950); deleting either gives the same sequence. VCF-style (leftmost placement, unchanged base first): chr11-89227948-CT-C. GRCh37 (hg19) VCF-style: chr11-88961116-CT-C.
Other names: short protein forms H389fs.
Identifiers: ClinVar variation 3799 (VCV000003799.8), dbSNP rs281865522, ClinGen allele CA227509.